The following is an entry in ClinVar:

ClinVar aggregate classification (germline): Uncertain significance. Review status: criteria provided, multiple submitters, no conflicts (2 of 4 stars). 3 submissions from 3 submitters: Uncertain significance (3). Last evaluated 2025-03-20.

Conditions:
KMT2D-related disorder. Also called: KMT2D-Related Disorders.
Kabuki syndrome. Also called: Kabuki make-up syndrome; NIIKAWA-KUROKI SYNDROME. Identifiers: Orphanet 2322, MedGen C0796004, MONDO:0016512.

Submissions (3):

PreventionGenetics, part of Exact Sciences
Classification: Uncertain significance for KMT2D-related condition. Last evaluated: 2025-03-20. Review status: criteria provided, single submitter. Criteria: ACMG Guidelines, 2015. Collection method: clinical testing. Allele origin: germline.
Comment: The KMT2D c.11214_11222del9 variant is predicted to result in an in-frame deletion (p.Gln3743_Gln3745del). To our knowledge, this variant has not been reported in the literature. This variant is reported in 0.012% of alleles in individuals of African descent in gnomAD. At this time, the clinical significance of this variant is uncertain due to the absence of conclusive functional and genetic evidence.

Labcorp Genetics (formerly Invitae), Labcorp
Classification: Uncertain significance for Kabuki syndrome. Last evaluated: 2024-07-23. Review status: criteria provided, single submitter. Criteria: Invitae Variant Classification Sherloc (09022015). Collection method: clinical testing. Allele origin: germline.
Comment: This variant, c.11214_11222del, results in the deletion of 3 amino acid(s) of the KMT2D protein (p.Gln3743_Gln3745del), but otherwise preserves the integrity of the reading frame. The frequency data for this variant in the population databases is considered unreliable, as metrics indicate poor data quality at this position in the gnomAD database. This variant has not been reported in the literature in individuals affected with KMT2D-related conditions. Experimental studies and prediction algorithms are not available or were not evaluated, and the functional significance of this variant is currently unknown. In summary, the available evidence is currently insufficient to determine the role of this variant in disease. Therefore, it has been classified as a Variant of Uncertain Significance.

Blueprint Genetics
Classification: Uncertain significance. Last evaluated: 2023-08-24. Review status: criteria provided, single submitter. Criteria: ACMG Guidelines, 2015. Collection method: clinical testing. Allele origin: germline.

NM_003482.4(KMT2D):c.11202GCA[4] (p.Gln3743_Gln3745del)

Gene: KMT2D (lysine methyltransferase 2D; minus strand). Cytogenetic location: 12q13.12.
Variant type: Microsatellite.
Coding change: c.11202GCA[4] on transcript NM_003482.4 (MANE Select); four copies in a row of the 3-base unit GCA starting at c.11202; the reference has seven copies in a row; three copies, 9 bases deleted.
Protein change: p.Gln3743_Gln3745del.
Molecular consequence: inframe deletion.
Genome position (GRCh38, 1-based): chr12:49,033,483-49,033,491, TGCTGCTGC deleted on the plus strand (GCAGCAGCA on the coding strand, the reverse complement: KMT2D is on the minus strand); deleting any 9 consecutive bases within chr12:49,033,483-49,033,503 gives the same sequence; the position shown is the placement nearest the transcript's 3' end. VCF-style (leftmost placement, unchanged base first): chr12-49033482-TTGCTGCTGC-T. GRCh37 (hg19) VCF-style: chr12-49427265-TTGCTGCTGC-T.
Other names: c.11214_11222del9 (NM_003482.3).
Identifiers: ClinVar variation 1353728 (VCV001353728.10), dbSNP rs398123707, ClinGen allele CA6546344.
Genomic context (GRCh38, chr12:49,033,482, plus strand): 5'-AGGACCCTGCTGCTGTTGCTGCTGGATTGCCACCTGTCCTAGAAGGTGCTGCTGCTGCTG[TTGCTGCTGC>T]TGCTGCTGCTGCAGTTTCTGGGCCAGCTGCATACGTTGCTGCTGCAGCTGCAGCTGCCTT-3'